The following is an entry in ClinVar:

NM_016169.4(SUFU):c.1023-210G>C

Gene: SUFU (SUFU negative regulator of hedgehog signaling; plus strand). Cytogenetic location: 10q24.32.
Variant type: single nucleotide variant.
Coding change: c.1023-210G>C on transcript NM_016169.4 (MANE Select); 210 bases into the intron before coding-DNA position 1023, G replaced by C.
Molecular consequence: intron variant.
Genome position (GRCh38, 1-based): chr10:102,615,058, G>C. VCF-style: chr10-102615058-G-C. GRCh37 (hg19) VCF-style: chr10-104374815-G-C.
Other names: c.1023-210G>C (NM_001178133.2).
Identifiers: ClinVar variation 677133 (VCV000677133.2), dbSNP rs7093285, ClinGen allele CA13334200.

ClinVar aggregate classification (germline): Benign. Review status: criteria provided, multiple submitters, no conflicts (2 of 4 stars). 2 submissions from 2 submitters: Benign (2). Last evaluated 2018-06-18.

Allele frequency attached by ClinVar (database versions not stated): 1000 Genomes Project 30x 0.25203; 1000 Genomes Project 0.25399; TOPMed 0.28026.
gnomAD v4.1: 43,350 of 151,814 alleles (29%); highest among the groups gnomAD compares: Admixed American, 35%; 6,662 homozygotes.

Submissions (2):

GeneDx
Classification: Benign. Last evaluated: 2018-06-18. Review status: criteria provided, single submitter. Criteria: GeneDx Variant Classification (06012015). Collection method: clinical testing. Allele origin: germline. Affected: yes.
Comment: This variant is considered likely benign or benign based on one or more of the following criteria: it is a conservative change, it occurs at a poorly conserved position in the protein, it is predicted to be benign by multiple in silico algorithms, and/or has population frequency not consistent with disease.

Breakthrough Genomics
Classification: Benign. Review status: criteria provided, single submitter. Criteria: ACMG Guidelines, 2015. Collection method: not provided. Allele origin: germline. Inheritance: Autosomal recessive inheritance. Affected: yes.